The following is an entry in ClinVar:

NM_006073.4(TRDN):c.1993C>A (p.Pro665Thr)

Gene: TRDN (triadin; minus strand). Cytogenetic location: 6q22.31.
Variant type: single nucleotide variant.
Coding change: c.1993C>A on transcript NM_006073.4 (MANE Select); coding-DNA position 1993, C replaced by A.
Protein change: p.Pro665Thr; replaces proline 665 with threonine.
Molecular consequence: missense variant.
Genome position (GRCh38, 1-based): chr6:123,224,114, G>T on the plus strand (C>A on the coding strand, the complement: TRDN is on the minus strand). VCF-style: chr6-123224114-G-T. GRCh37 (hg19) VCF-style: chr6-123545259-G-T.
Other names: short protein forms P665T.
Identifiers: ClinVar variation 3225245 (VCV003225245.1), dbSNP rs1184761316, ClinGen allele CA365565706.

ClinVar aggregate classification (germline): Uncertain significance (1 of 4 stars; one submission).

Conditions:
Cardiovascular phenotype. Identifiers: MedGen CN230736.

Allele frequency attached by ClinVar (database versions not stated): gnomAD 0.00001.
gnomAD v4.1: 1 of 1,610,192 alleles (0.000062%); highest among the groups gnomAD compares: Admixed American, 0.0017%; no homozygotes.

Submission:

Ambry Genetics
Classification: Uncertain significance for Cardiovascular phenotype. Last evaluated: 2023-11-01. Review status: criteria provided, single submitter. Criteria: Ambry Variant Classification Scheme 2023. Collection method: clinical testing. Allele origin: germline.
Comment: The p.P665T variant (also known as c.1993C>A), located in coding exon 39 of the TRDN gene, results from a C to A substitution at nucleotide position 1993. The proline at codon 665 is replaced by threonine, an amino acid with highly similar properties. This amino acid position is conserved. In addition, this alteration is predicted to be tolerated by in silico analysis. Since supporting evidence is limited at this time, the clinical significance of this alteration remains unclear.